The following is an entry in ClinVar:

ClinVar aggregate classification (germline): Benign (1 of 4 stars; one submission).

Allele frequency attached by ClinVar (database versions not stated): gnomAD 0.06614 and 0.06898; TOPMed 0.07182; 1000 Genomes Project 0.07608; 1000 Genomes Project 30x 0.07839.
gnomAD v4.1: 9,525 of 145,422 alleles (6.5%); highest among the groups gnomAD compares: African/African-American, 20%; 875 homozygotes.

Submission:

GeneDx
Classification: Benign. Last evaluated: 2018-06-19. Review status: criteria provided, single submitter. Criteria: GeneDx Variant Classification (06012015). Collection method: clinical testing. Allele origin: germline. Affected: yes.
Comment: This variant is considered likely benign or benign based on one or more of the following criteria: it is a conservative change, it occurs at a poorly conserved position in the protein, it is predicted to be benign by multiple in silico algorithms, and/or has population frequency not consistent with disease.

NM_000093.5(COL5A1):c.3852+181A>G

Gene: COL5A1 (collagen type V alpha 1 chain; plus strand). Cytogenetic location: 9q34.3.
Variant type: single nucleotide variant.
Coding change: c.3852+181A>G on transcript NM_000093.5 (MANE Select); 181 bases into the intron after coding-DNA position 3852, A replaced by G.
Molecular consequence: intron variant.
Genome position (GRCh38, 1-based): chr9:134,812,893, A>G. VCF-style: chr9-134812893-A-G. GRCh37 (hg19) VCF-style: chr9-137704739-A-G.
Other names: c.3852+181A>G (NM_001278074.1).
Identifiers: ClinVar variation 673591 (VCV000673591.1), dbSNP rs73664148, ClinGen allele CA201090162.